The following is an entry in ClinVar:

NM_001130438.3(SPTAN1):c.2043G>A (p.Gln681=)

Gene: SPTAN1 (spectrin alpha, non-erythrocytic 1; plus strand). Cytogenetic location: 9q34.11.
Variant type: single nucleotide variant.
Coding change: c.2043G>A on transcript NM_001130438.3 (MANE Select); coding-DNA position 2043, G replaced by A.
Protein change: p.Gln681=; no amino-acid change (glutamine 681 retained).
Molecular consequence: synonymous variant.
Genome position (GRCh38, 1-based): chr9:128,583,819, G>A. VCF-style: chr9-128583819-G-A. GRCh37 (hg19) VCF-style: chr9-131346098-G-A.
Other names: c.2043G>A, p.Gln681= (NM_001195532.2, NM_001363759.2, NM_001363765.2 and 5 more transcripts); c.2079G>A, p.Gln693= (NM_001375312.2, NM_001375318.1); c.2043G>A (NM_001130438.2).
Identifiers: ClinVar variation 1119702 (VCV001119702.13), dbSNP rs771555109, ClinGen allele CA5264565.
Genomic context (GRCh38, chr9:128,583,819, plus strand): 5'-TACAAAATTAAACTTGTTTTCTTCCATAGGAATAAAGCTTCGTGAAGCCAACCAGCAACA[G>A]CAATTTAATCGCAATGTTGAGGATATTGAATTGTGGCTATATGAAGTAGAAGGTCACTTG-3'
Protein context (NP_001123910.1, residues 671-691): GIKLREANQQ[Gln681=]QFNRNVEDIE

ClinVar aggregate classification (germline): Likely benign. Review status: criteria provided, multiple submitters, no conflicts (2 of 4 stars). 3 submissions from 3 submitters: Likely benign (2). 1 of the submissions does not count toward it. Last evaluated 2025-12-13.

Conditions:
SPTAN1-related disorder. Also called: SPTAN1-related condition; SPTAN1-related disorders.
Early-infantile DEE. Also called: Ohtahara syndrome; Early infantile epileptic encephalopathy with suppression bursts; Early infantile epileptic encephalopathy. Identifiers: Orphanet 1934, MedGen C0393706, MONDO:0800491.

Allele frequency attached by ClinVar (database versions not stated): ExAC 0.00001; gnomAD 0.00001; gnomAD exomes 0.00001; TOPMed 0.00001.
gnomAD v4.1: 10 of 1,614,090 alleles (0.00062%); highest among the groups gnomAD compares: Admixed American, 0.0017%; no homozygotes.

Submissions (3):

Labcorp Genetics (formerly Invitae), Labcorp
Classification: Likely benign for Early-infantile DEE. Last evaluated: 2025-12-13. Review status: criteria provided, single submitter. Criteria: Invitae Variant Classification Sherloc (09022015). Collection method: clinical testing. Allele origin: germline.

Blueprint Genetics
Classification: Likely benign. Last evaluated: 2024-10-15. Review status: criteria provided, single submitter. Criteria: ACMG Guidelines, 2015. Collection method: clinical testing. Allele origin: germline.

PreventionGenetics, part of Exact Sciences
Classification: Likely benign for SPTAN1-related condition. Last evaluated: 2023-12-12. Review status: no assertion criteria provided. Collection method: clinical testing. Allele origin: germline. Not counted in ClinVar's aggregate classification.
Comment: This variant is classified as likely benign based on ACMG/AMP sequence variant interpretation guidelines (Richards et al. 2015 PMID: 25741868, with internal and published modifications).